The following is an entry in ClinVar:

NM_017780.4(CHD7):c.3730A>T (p.Thr1244Ser)

Gene: CHD7 (chromodomain helicase DNA binding protein 7; plus strand). Cytogenetic location: 8q12.2.
Variant type: single nucleotide variant.
Coding change: c.3730A>T on transcript NM_017780.4 (MANE Select); coding-DNA position 3730, A replaced by T.
Protein change: p.Thr1244Ser; replaces threonine 1244 with serine.
Molecular consequence: missense variant. On other transcripts: intron variant (1).
Genome position (GRCh38, 1-based): chr8:60,830,529, A>T. VCF-style: chr8-60830529-A-T. GRCh37 (hg19) VCF-style: chr8-61743088-A-T.
Other names: c.1717-31700A>T (NM_001316690.1); short protein forms T1244S.
Identifiers: ClinVar variation 4082294 (VCV004082294.1).

ClinVar aggregate classification (germline): Uncertain significance (1 of 4 stars; one submission).

Conditions:
CHARGE syndrome (CHARGE). Also called: Hittner Hirsch Kreh syndrome; CHARGE ASSOCIATION--COLOBOMA, HEART ANOMALY, CHOANAL ATRESIA, RETARDATION, GENITAL AND EAR ANOMALIES; Coloboma, heart anomaly, choanal atresia, retardation, genital and ear anomalies; CHARGE association; Hall-Hittner syndrome. Identifiers: Orphanet 138, MedGen C0265354, MONDO:0008965.

Submission:

Medical Genetics Center, Maternal and Child Health Hospital of Hubei Province
Classification: Uncertain significance for CHD7-related CHARGE syndrome. Last evaluated: 2024-03-20. Review status: criteria provided, single submitter. Criteria: ACMG Guidelines, 2015. Collection method: clinical testing. Allele origin: paternal. Affected: yes.
Comment: PP3_Supporting + PM2_Supporting